The following is an entry in ClinVar:

ClinVar aggregate classification (germline): Uncertain significance (1 of 4 stars; one submission).

Conditions:
Inborn genetic diseases. Identifiers: MedGen C0950123, MeSH D030342.

Submission:

Ambry Genetics
Classification: Uncertain significance for Inborn genetic diseases. Last evaluated: 2026-04-28. Review status: criteria provided, single submitter. Criteria: Ambry Variant Classification Scheme 2023. Collection method: clinical testing. Allele origin: germline.
Comment: The p.L1454F variant (also known as c.4360C>T), located in coding exon 43 of the FANCA gene, results from a C to T substitution at nucleotide position 4360. The leucine at codon 1454 is replaced by phenylalanine, an amino acid with highly similar properties. This amino acid position is conserved. In addition, this alteration is predicted to be tolerated by in silico analysis. Based on the available evidence, the clinical significance of this variant remains unclear.

NM_000135.4(FANCA):c.4360C>T (p.Leu1454Phe)

Genes: FANCA (FA complementation group A; minus strand), ZNF276 (zinc finger protein 276; plus strand). Cytogenetic location: 16q24.3.
Variant type: single nucleotide variant.
Coding change: c.4360C>T on transcript NM_000135.4 (MANE Select); coding-DNA position 4360, C replaced by T.
Protein change: p.Leu1454Phe; replaces leucine 1454 with phenylalanine.
Molecular consequence: missense variant. On other transcripts: 3 prime UTR variant (3), non-coding transcript variant (4).
Genome position (GRCh38, 1-based): chr16:89,738,609, G>A on the plus strand (C>T on the coding strand, the complement: FANCA is on the minus strand). VCF-style: chr16-89738609-G-A. GRCh37 (hg19) VCF-style: chr16-89805017-G-A.
Other names: c.*89C>T (NM_001286167.3); c.*363G>A (NM_001113525.2, NM_152287.4); short protein forms L1454F.
Identifiers: ClinVar variation 4870853 (VCV004870853.1).